The following is an entry in ClinVar:

ClinVar aggregate classification (germline): Uncertain significance (1 of 4 stars; one submission).

Conditions:
Charcot-Marie-Tooth disease type 2. Also called: Charcot-Marie-Tooth type 2. Identifiers: Orphanet 64746, MedGen C0270914, MONDO:0018993.

Submission:

Labcorp Genetics (formerly Invitae), Labcorp
Classification: Uncertain significance for Charcot-Marie-Tooth disease type 2. Last evaluated: 2020-09-24. Review status: criteria provided, single submitter. Criteria: Invitae Variant Classification Sherloc (09022015). Collection method: clinical testing. Allele origin: germline.
Comment: This sequence change replaces glycine with aspartic acid at codon 313 of the AARS protein (p.Gly313Asp). The glycine residue is highly conserved and there is a moderate physicochemical difference between glycine and aspartic acid. This variant is not present in population databases (ExAC no frequency). This variant has not been reported in the literature in individuals with AARS-related conditions. Algorithms developed to predict the effect of missense changes on protein structure and function are either unavailable or do not agree on the potential impact of this missense change (SIFT: "Deleterious"; PolyPhen-2: "Probably Damaging"; Align-GVGD: "Class C0"). In summary, the available evidence is currently insufficient to determine the role of this variant in disease. Therefore, it has been classified as a Variant of Uncertain Significance.

NM_001605.3(AARS1):c.938G>A (p.Gly313Asp)

Gene: AARS1 (alanyl-tRNA synthetase 1; minus strand). Cytogenetic location: 16q22.1.
Variant type: single nucleotide variant.
Coding change: c.938G>A on transcript NM_001605.3 (MANE Select); coding-DNA position 938, G replaced by A.
Protein change: p.Gly313Asp; replaces glycine 313 with aspartic acid.
Molecular consequence: missense variant.
Genome position (GRCh38, 1-based): chr16:70,269,642, C>T on the plus strand (G>A on the coding strand, the complement: AARS1 is on the minus strand). VCF-style: chr16-70269642-C-T. GRCh37 (hg19) VCF-style: chr16-70303545-C-T.
Other names: short protein forms G313D.
Identifiers: ClinVar variation 1045985 (VCV001045985.8), dbSNP rs1679069745, ClinGen allele CA396564467.